The following is an entry in ClinVar:

NM_005413.4(SIX3):c.124_141dup (p.Gly47_Ser48insGlyGlyAlaGlyGlyGly)

Gene: SIX3 (SIX homeobox 3; plus strand). Cytogenetic location: 2p21.
Variant type: Duplication.
Coding change: c.124_141dup on transcript NM_005413.4 (MANE Select); coding-DNA positions 124 to 141, 18 bases duplicated (GGCGGCGCGGGAGGCGGC).
Protein change: p.Gly47_Ser48insGlyGlyAlaGlyGlyGly.
Molecular consequence: inframe insertion.
Genome position (GRCh38, 1-based): chr2:44,942,228-44,942,245, GGCGGCGCGGGAGGCGGC duplicated; duplicating any 18 consecutive bases within chr2:44,942,216-44,942,245 gives the same sequence; the c. name uses the placement nearest the transcript's 3' end. VCF-style (leftmost placement, unchanged base first): chr2-44942215-T-TGCGGGAGGCGGCGGCGGC. GRCh37 (hg19) VCF-style: chr2-45169354-T-TGCGGGAGGCGGCGGCGGC.
Identifiers: ClinVar variation 4812223 (VCV004812223.1).

ClinVar aggregate classification (germline): Uncertain significance (1 of 4 stars; one submission).

Conditions:
Holoprosencephaly 2 (HPE2). Identifiers: Orphanet 2162, MedGen C1834877, MONDO:0007999, OMIM 157170.

Submission:

Labcorp Genetics (formerly Invitae), Labcorp
Classification: Uncertain significance for Holoprosencephaly 2. Last evaluated: 2025-11-01. Review status: criteria provided, single submitter. Criteria: Invitae Variant Classification Sherloc (09022015). Collection method: clinical testing. Allele origin: germline.
Comment: This variant, c.124_141dup, results in the insertion of 6 amino acid(s) of the SIX3 protein (p.Gly42_Gly47dup), but otherwise preserves the integrity of the reading frame. This variant is not present in population databases (gnomAD no frequency). This variant has not been reported in the literature in individuals affected with SIX3-related conditions. In summary, the available evidence is currently insufficient to determine the role of this variant in disease. Therefore, it has been classified as a Variant of Uncertain Significance.